The following is an entry in ClinVar:

NM_001267550.2(TTN):c.11311+5330C>A

Genes: TTN (titin; minus strand), LOC126806432 (CDK7 strongly-dependent group 2 enhancer GRCh37_chr2:179611985-179613184; plus strand). Cytogenetic location: 2q31.2.
Variant type: single nucleotide variant.
Coding change: c.11311+5330C>A on transcript NM_001267550.2 (MANE Select); 5330 bases into the intron after coding-DNA position 11311, C replaced by A.
Molecular consequence: intron variant. On other transcripts: missense variant (1).
Genome position (GRCh38, 1-based): chr2:178,747,794, G>T on the plus strand (C>A on the coding strand, the complement: TTN is on the minus strand). VCF-style: chr2-178747794-G-T. GRCh37 (hg19) VCF-style: chr2-179612521-G-T.
Other names: c.14606C>A, p.Ala4869Asp (NM_133379.5); c.10222+5330C>A (NM_003319.4); c.10798+5330C>A (NM_133437.4); c.10597+5330C>A (NM_133432.3); c.10360+5330C>A (NM_133378.4, NM_001256850.1); short protein forms A4869D.
Identifiers: ClinVar variation 3896186 (VCV003896186.2).
Genomic context (GRCh38, chr2:178,747,794, plus strand): 5'-TTAGGAATATTTTGAGAAAAACTAGTTTCTATCATTTCTCCTTCTAAAGTGGAGAAAGAA[G>T]CTTCATTCTGAACTTGAACTTCTTCATAACATTTTTCTTCTCCAGAGGCATGAATGTTTG-3'

ClinVar aggregate classification (germline): Uncertain significance (1 of 4 stars; one submission).

gnomAD v4.1: 22 of 1,612,192 alleles (0.0014%); highest among the groups gnomAD compares: African/African-American, 0.028%; no homozygotes.

Submission:

Women's Health and Genetics/Laboratory Corporation of America, LabCorp
Classification: Uncertain significance. Last evaluated: 2025-04-18. Review status: criteria provided, single submitter. Criteria: LabCorp Variant Classification Summary - May 2015. Collection method: clinical testing. Allele origin: germline.
Comment: Variant summary: TTN NM_133378 c.10360+5330C>A is located at a position not widely known to affect splicing. This variant corresponds to c.11311+5330C>A in NM_001267550 and c.14606C>A (p.Ala4869Asp) in NM_133379. Three of three in-silico tools predict a benign effect of the variant on protein function. Consensus agreement among computation tools predict no significant impact on normal splicing. However, these predictions have yet to be confirmed by functional studies. The variant allele was found at a frequency of 1.6e-05 in 249272 control chromosomes. The available data on variant occurrences in the general population are insufficient to allow any conclusion about variant significance. To our knowledge, this variant has not been observed in individuals affected with Autosomal Recessive Titinopathy or other TTN-related disorders and no experimental evidence demonstrating its impact on protein function have been reported. No submitters have cited clinical-significance assessments for this variant to ClinVar. Based on the evidence outlined above, the variant was classified as uncertain significance.